The following is an entry in ClinVar:

NM_001166108.2(PALLD):c.2531A>G (p.Gln844Arg)

Genes: CBR4 (carbonyl reductase 4; minus strand), PALLD (palladin, cytoskeletal associated protein; plus strand). Cytogenetic location: 4q32.3.
Variant type: single nucleotide variant.
Coding change: c.2531A>G on transcript NM_001166108.2 (MANE Select); coding-DNA position 2531, A replaced by G.
Protein change: p.Gln844Arg; replaces glutamine 844 with arginine.
Molecular consequence: missense variant.
Genome position (GRCh38, 1-based): chr4:168,903,815, A>G. VCF-style: chr4-168903815-A-G. GRCh37 (hg19) VCF-style: chr4-169824966-A-G.
Other names: c.1334A>G, p.Gln445Arg (NM_001166109.2); c.1019A>G, p.Gln340Arg (NM_001166110.2); c.359A>G, p.Gln120Arg (NM_001367567.1, NM_001367569.1); c.410A>G, p.Gln137Arg (NM_001367568.1, NM_001367570.1); c.2480A>G, p.Gln827Arg (NM_016081.4); c.1019A>G (NM_001166110.1); short protein forms Q120R, Q445R, Q137R, Q340R, Q844R, Q827R.
Identifiers: ClinVar variation 2180917 (VCV002180917.5), dbSNP rs756544732, ClinGen allele CA3135902.

ClinVar aggregate classification (germline): Uncertain significance. Review status: criteria provided, multiple submitters, no conflicts (2 of 4 stars). 2 submissions from 2 submitters: Uncertain significance (2). Last evaluated 2024-12-07.

Conditions:
Pancreatic adenocarcinoma. Identifiers: MedGen C0281361, MONDO:0006047, HP:0006725.

Allele frequency attached by ClinVar (database versions not stated): gnomAD 0.00001; gnomAD exomes 0.00002; TOPMed 0.00002; ExAC 0.00003.
gnomAD v4.1: 26 of 1,611,716 alleles (0.0016%); highest among the groups gnomAD compares: South Asian, 0.013%; no homozygotes.

Submissions (2):

Ambry Genetics
Classification: Uncertain significance. Last evaluated: 2024-12-07. Review status: criteria provided, single submitter. Criteria: Ambry Variant Classification Scheme 2023. Collection method: clinical testing. Allele origin: germline.
Comment: The p.Q340R variant (also known as c.1019A>G), located in coding exon 5 of the PALLD gene, results from an A to G substitution at nucleotide position 1019. The glutamine at codon 340 is replaced by arginine, an amino acid with highly similar properties. This amino acid position is conserved. In addition, this alteration is predicted to be tolerated by in silico analysis. Based on the available evidence, the clinical significance of this variant remains unclear.

Labcorp Genetics (formerly Invitae), Labcorp
Classification: Uncertain significance for Pancreatic adenocarcinoma. Last evaluated: 2024-10-22. Review status: criteria provided, single submitter. Criteria: Invitae Variant Classification Sherloc (09022015). Collection method: clinical testing. Allele origin: germline.
Comment: This sequence change replaces glutamine, which is neutral and polar, with arginine, which is basic and polar, at codon 340 of the PALLD protein (p.Gln340Arg). This variant is present in population databases (rs756544732, gnomAD 0.01%). This variant has not been reported in the literature in individuals affected with PALLD-related conditions. ClinVar contains an entry for this variant (Variation ID: 2180917). An algorithm developed to predict the effect of missense changes on protein structure and function outputs the following: PolyPhen-2: "Benign". The arginine amino acid residue is found in multiple mammalian species, which suggests that this missense change does not adversely affect protein function. In summary, the available evidence is currently insufficient to determine the role of this variant in disease. Therefore, it has been classified as a Variant of Uncertain Significance.